The following is an entry in ClinVar:

NM_000384.3(APOB):c.3453C>A (p.Asp1151Glu)

Gene: APOB (apolipoprotein B; minus strand). Cytogenetic location: 2p24.1.
Variant type: single nucleotide variant.
Coding change: c.3453C>A on transcript NM_000384.3 (MANE Select); coding-DNA position 3453, C replaced by A.
Protein change: p.Asp1151Glu; replaces aspartic acid 1151 with glutamic acid.
Molecular consequence: missense variant.
Genome position (GRCh38, 1-based): chr2:21,015,425, G>T on the plus strand (C>A on the coding strand, the complement: APOB is on the minus strand). VCF-style: chr2-21015425-G-T. GRCh37 (hg19) VCF-style: chr2-21238297-G-T.
Other names: short protein forms D1151E.
Identifiers: ClinVar variation 2930221 (VCV002930221.3), dbSNP rs1285077554, ClinGen allele CA346009052.
Genomic context (GRCh38, chr2:21,015,425, plus strand): 5'-CATACCATAATGCCATGCCACCCTCTTGGAAACTGTGGAGCCATAAGCTGTAGCAGATGA[G>T]TCCATTTGGAGAAGCAGTTTGGCAGGCGACCAGTGGGCGAGGATCTCACTTCTGGCTTCT-3'
Protein context (NP_000375.3, residues 1141-1161): WSPAKLLLQM[Asp1151Glu]SSATAYGSTV

ClinVar aggregate classification (germline): Uncertain significance (1 of 4 stars; one submission).

Conditions:
Hypercholesterolemia, autosomal dominant, type B (FHCL2). Also called: APOB-Related Familial Hypercholesterolemia, Autosomal Dominant; Familial Hypercholesterolemia Type B; APOLIPOPROTEIN B-100, FAMILIAL DEFECTIVE; APOLIPOPROTEIN B-100, FAMILIAL LIGAND-DEFECTIVE; HYPERCHOLESTEROLEMIA, FAMILIAL, DUE TO LIGAND-DEFECTIVE APOLIPOPROTEIN B; Hyperlipoproteinemia Type IIb. Identifiers: MedGen C1704417, MONDO:0007751, OMIM 144010.
Familial hypobetalipoproteinemia 1. Also called: Hypobetalipoproteinemia, normotriglyceridemic; Acanthocytosis with hypobetalipoproteinemia; APOB-Related Familial Hypobetalipoproteinemia. Identifiers: MedGen C4551990, MONDO:0014252, OMIM 615558.

Allele frequency attached by ClinVar (database versions not stated): gnomAD exomes below 0.00001; gnomAD 0.00001.
gnomAD v4.1: 3 of 1,614,070 alleles (0.00019%); highest among the groups gnomAD compares: Non-Finnish European, 0.00017%; no homozygotes.

Submission:

Labcorp Genetics (formerly Invitae), Labcorp
Classification: Uncertain significance for Familial hypobetalipoproteinemia 1; Hypercholesterolemia, autosomal dominant, type B. Last evaluated: 2023-08-22. Review status: criteria provided, single submitter. Criteria: Invitae Variant Classification Sherloc (09022015). Collection method: clinical testing. Allele origin: germline.
Comment: This variant is present in population databases (no rsID available, gnomAD 0.007%). In summary, the available evidence is currently insufficient to determine the role of this variant in disease. Therefore, it has been classified as a Variant of Uncertain Significance. Advanced modeling of protein sequence and biophysical properties (such as structural, functional, and spatial information, amino acid conservation, physicochemical variation, residue mobility, and thermodynamic stability) performed at Invitae indicates that this missense variant is not expected to disrupt APOB protein function. ClinVar contains an entry for this variant (Variation ID: 922304). This variant has not been reported in the literature in individuals affected with APOB-related conditions. This sequence change replaces aspartic acid, which is acidic and polar, with glutamic acid, which is acidic and polar, at codon 1151 of the APOB protein (p.Asp1151Glu).